The following is an entry in ClinVar:

NM_012072.4(CD93):c.102C>A (p.Thr34=)

Gene: CD93 (CD93 molecule; minus strand). Cytogenetic location: 20p11.21.
Variant type: single nucleotide variant.
Coding change: c.102C>A on transcript NM_012072.4 (MANE Select); coding-DNA position 102, C replaced by A.
Protein change: p.Thr34=; no amino-acid change (threonine 34 retained).
Molecular consequence: synonymous variant.
Genome position (GRCh38, 1-based): chr20:23,086,091, G>T on the plus strand (C>A on the coding strand, the complement: CD93 is on the minus strand). VCF-style: chr20-23086091-G-T. GRCh37 (hg19) VCF-style: chr20-23066728-G-T.
Identifiers: ClinVar variation 3349074 (VCV003349074.2).

ClinVar aggregate classification (germline): Likely benign. Review status: criteria provided, single submitter (1 of 4 stars). 2 submissions from 2 submitters: Likely benign (1). 1 of the submissions does not count toward it. Last evaluated 2024-07-03.

Conditions:
CD93-related disorder. Also called: CD93-related condition.

gnomAD v4.1: 562 of 1,597,926 alleles (0.035%); highest among the groups gnomAD compares: South Asian, 0.35%; 2 homozygotes.

Submissions (2):

Blueprint Genetics
Classification: Likely benign. Last evaluated: 2024-07-03. Review status: criteria provided, single submitter. Criteria: ACMG Guidelines, 2015. Collection method: clinical testing. Allele origin: germline.

PreventionGenetics, part of Exact Sciences
Classification: Likely benign for CD93-related condition. Last evaluated: 2024-08-27. Review status: no assertion criteria provided. Collection method: clinical testing. Allele origin: germline. Not counted in ClinVar's aggregate classification.
Comment: This variant is classified as likely benign based on ACMG/AMP sequence variant interpretation guidelines (Richards et al. 2015 PMID: 25741868, with internal and published modifications).